The following is an entry in ClinVar:

NM_015570.4(AUTS2):c.3167C>G (p.Pro1056Arg)

Gene: AUTS2 (activator of transcription and developmental regulator AUTS2; plus strand). Cytogenetic location: 7q11.22.
Variant type: single nucleotide variant.
Coding change: c.3167C>G on transcript NM_015570.4 (MANE Select); coding-DNA position 3167, C replaced by G.
Protein change: p.Pro1056Arg; replaces proline 1056 with arginine.
Molecular consequence: missense variant.
Genome position (GRCh38, 1-based): chr7:70,790,383, C>G. VCF-style: chr7-70790383-C-G. GRCh37 (hg19) VCF-style: chr7-70255369-C-G.
Other names: c.3095C>G, p.Pro1032Arg (NM_001127231.3); short protein forms P1032R, P1056R.
Identifiers: ClinVar variation 1977874 (VCV001977874.5), dbSNP rs766592601, ClinGen allele CA367665618.

ClinVar aggregate classification (germline): Uncertain significance (1 of 4 stars; one submission).

Allele frequency attached by ClinVar (database versions not stated): gnomAD 0.00001.
gnomAD v4.1: 2 of 1,613,748 alleles (0.00012%); highest among the groups gnomAD compares: Admixed American, 0.0033%; no homozygotes.

Submission:

Labcorp Genetics (formerly Invitae), Labcorp
Classification: Uncertain significance. Last evaluated: 2022-04-16. Review status: criteria provided, single submitter. Criteria: Invitae Variant Classification Sherloc (09022015). Collection method: clinical testing. Allele origin: germline.
Comment: In summary, the available evidence is currently insufficient to determine the role of this variant in disease. Therefore, it has been classified as a Variant of Uncertain Significance. Algorithms developed to predict the effect of missense changes on protein structure and function are either unavailable or do not agree on the potential impact of this missense change (SIFT: "Deleterious"; PolyPhen-2: "Probably Damaging"; Align-GVGD: "Class C0"). This variant has not been reported in the literature in individuals affected with AUTS2-related conditions. This variant is not present in population databases (gnomAD no frequency). This sequence change replaces proline, which is neutral and non-polar, with arginine, which is basic and polar, at codon 1056 of the AUTS2 protein (p.Pro1056Arg).